The following is an entry in ClinVar:

ClinVar aggregate classification (germline): Uncertain significance (1 of 4 stars; one submission).

Conditions:
Inborn genetic diseases. Identifiers: MedGen C0950123, MeSH D030342.

gnomAD v4.1: 9 of 1,613,632 alleles (0.00056%); highest among the groups gnomAD compares: African/African-American, 0.0013%; no homozygotes.

Submission:

Ambry Genetics
Classification: Uncertain significance for Inborn genetic diseases. Last evaluated: 2025-03-28. Review status: criteria provided, single submitter. Criteria: Ambry Variant Classification Scheme 2023. Collection method: clinical testing. Allele origin: germline.
Comment: The p.L413R variant (also known as c.1238T>G), located in coding exon 7 of the ERCC6L2 gene, results from a T to G substitution at nucleotide position 1238. The leucine at codon 413 is replaced by arginine, an amino acid with dissimilar properties. This amino acid position is conserved. In addition, this alteration is predicted to be deleterious by in silico analysis. Based on the available evidence, the clinical significance of this variant remains unclear.

NM_020207.7(ERCC6L2):c.1238T>G (p.Leu413Arg)

Gene: ERCC6L2 (ERCC excision repair 6 like 2; plus strand). Cytogenetic location: 9q22.32.
Variant type: single nucleotide variant.
Coding change: c.1238T>G on transcript NM_020207.7 (MANE Select); coding-DNA position 1238, T replaced by G.
Protein change: p.Leu413Arg; replaces leucine 413 with arginine.
Molecular consequence: missense variant. On other transcripts: non-coding transcript variant (1).
Genome position (GRCh38, 1-based): chr9:95,921,254, T>G. VCF-style: chr9-95921254-T-G. GRCh37 (hg19) VCF-style: chr9-98683536-T-G.
Other names: c.1238T>G, p.Leu413Arg (NM_001010895.4, NM_001375291.1, NM_001375292.1 and 2 more transcripts); short protein forms L413R.
Identifiers: ClinVar variation 4019274 (VCV004019274.1).